The following is an entry in ClinVar:

ClinVar aggregate classification (germline): Uncertain significance (1 of 4 stars; one submission).

Conditions:
Hereditary cancer-predisposing syndrome. Also called: Tumor predisposition; Hereditary neoplastic syndrome; Neoplastic Syndromes, Hereditary; Hereditary Cancer Syndrome. Identifiers: Orphanet 140162, MedGen C0027672, MeSH D009386, MONDO:0015356.

Submission:

Ambry Genetics
Classification: Uncertain significance for Hereditary cancer-predisposing syndrome. Last evaluated: 2025-03-17. Review status: criteria provided, single submitter. Criteria: Ambry Variant Classification Scheme 2023. Collection method: clinical testing. Allele origin: germline.
Comment: The p.A1981V variant (also known as c.5942C>T), located in coding exon 10 of the BRCA2 gene, results from a C to T substitution at nucleotide position 5942. The alanine at codon 1981 is replaced by valine, an amino acid with similar properties. This amino acid position is highly conserved in available vertebrate species. In addition, this alteration is predicted to be deleterious by in silico analysis. Based on the available evidence, the clinical significance of this variant remains unclear.

NM_000059.4(BRCA2):c.5942C>T (p.Ala1981Val)

Gene: BRCA2 (BRCA2 DNA repair associated; plus strand). Cytogenetic location: 13q13.1.
Variant type: single nucleotide variant.
Coding change: c.5942C>T on transcript NM_000059.4 (MANE Select); coding-DNA position 5942, C replaced by T.
Protein change: p.Ala1981Val; replaces alanine 1981 with valine.
Molecular consequence: missense variant. On other transcripts: non-coding transcript variant (1), intron variant (2).
Genome position (GRCh38, 1-based): chr13:32,340,297, C>T. VCF-style: chr13-32340297-C-T. GRCh37 (hg19) VCF-style: chr13-32914434-C-T.
Other names: c.5942C>T, p.Ala1981Val (NM_001406719.1, NM_001406720.1, NM_001432077.1); c.1910-4261C>T (NM_001406721.1); c.425-4261C>T (NM_001406722.1); short protein forms A1981V.
Identifiers: ClinVar variation 3992744 (VCV003992744.1).